The following is an entry in ClinVar:

ClinVar aggregate classification (germline): Uncertain significance (1 of 4 stars; one submission).

Conditions:
Cardiovascular phenotype. Identifiers: MedGen CN230736.

Submission:

Ambry Genetics
Classification: Uncertain significance for Cardiovascular phenotype. Last evaluated: 2025-11-24. Review status: criteria provided, single submitter. Criteria: Ambry Variant Classification Scheme 2023. Collection method: clinical testing. Allele origin: germline.
Comment: The p.C1317S variant (also known as c.3950G>C), located in coding exon 51 of the COL1A2 gene, results from a G to C substitution at nucleotide position 3950. The cysteine at codon 1317 is replaced by serine, an amino acid with dissimilar properties. This amino acid position is highly conserved in available vertebrate species. In addition, this alteration is predicted to be deleterious by in silico analysis. Based on the available evidence, the clinical significance of this variant remains unclear.

NM_000089.4(COL1A2):c.3950G>C (p.Cys1317Ser)

Gene: COL1A2 (collagen type I alpha 2 chain; plus strand). Cytogenetic location: 7q21.3.
Variant type: single nucleotide variant.
Coding change: c.3950G>C on transcript NM_000089.4 (MANE Select); coding-DNA position 3950, G replaced by C.
Protein change: p.Cys1317Ser; replaces cysteine 1317 with serine.
Molecular consequence: missense variant.
Genome position (GRCh38, 1-based): chr7:94,429,426, G>C. VCF-style: chr7-94429426-G-C. GRCh37 (hg19) VCF-style: chr7-94058738-G-C.
Other names: short protein forms C1317S.
Identifiers: ClinVar variation 4613932 (VCV004613932.1).